The following is an entry in ClinVar:

NM_020533.3(MCOLN1):c.169C>T (p.Arg57Ter)

Gene: MCOLN1 (mucolipin TRP cation channel 1; plus strand). Cytogenetic location: 19p13.2.
Variant type: single nucleotide variant.
Coding change: c.169C>T on transcript NM_020533.3 (MANE Select); coding-DNA position 169, C replaced by T.
Protein change: p.Arg57Ter; replaces arginine 57 with a stop codon.
Molecular consequence: nonsense.
Genome position (GRCh38, 1-based): chr19:7,525,098, C>T. VCF-style: chr19-7525098-C-T. GRCh37 (hg19) VCF-style: chr19-7589984-C-T.
Other names: c.169C>T (NM_020533.2); short protein forms R57*.
Identifiers: ClinVar variation 1072635 (VCV001072635.10), dbSNP rs765577483, ClinGen allele CA9138632.

ClinVar aggregate classification (germline): Pathogenic/Likely pathogenic. Review status: criteria provided, multiple submitters, no conflicts (2 of 4 stars). 3 submissions from 3 submitters: Pathogenic (1); Likely pathogenic (2). Last evaluated 2024-11-14.

Conditions:
Mucolipidosis type IV (ML4). Also called: ML IV. Identifiers: Orphanet 578, MedGen C0238286, MONDO:0009653, OMIM 252650.
Lisch epithelial corneal dystrophy (LECD). Also called: BAND-SHAPED AND WHORLED MICROCYSTIC CORNEAL EPITHELIAL DYSTROPHY. Identifiers: Orphanet 98955, MedGen C2749050, MONDO:0010425, OMIM 620763.

Allele frequency attached by ClinVar (database versions not stated): gnomAD exomes below 0.00001; ExAC 0.00001.
gnomAD v4.1: 8 of 1,614,178 alleles (0.0005%); highest among the groups gnomAD compares: Admixed American, 0.0017%; no homozygotes.

Submissions (3):

Natera, Inc.
Classification: Likely pathogenic for Mucolipidosis type IV. Last evaluated: 2024-11-14. Review status: criteria provided, single submitter. Criteria: Natera Variant Classification Schema (03/2026). Collection method: clinical testing. Allele origin: germline.
Comment: The c.169C>T variant in MCOLN1 is a nonsense variant predicted to introduce a stop codon at amino acid 57. This variant is expected to result in nonsense mediated decay, truncation, or a dysfunctional protein product. This variant is rare in the general population with a frequency below the threshold expected for the associated phenotype(s). Given the available evidence, this variant is classified as Likely Pathogenic.

Fulgent Genetics
Classification: Likely pathogenic for Mucolipidosis type IV; Lisch epithelial corneal dystrophy. Last evaluated: 2024-06-18. Review status: criteria provided, single submitter. Criteria: ACMG Guidelines, 2015. Collection method: clinical testing. Allele origin: germline.

Labcorp Genetics (formerly Invitae), Labcorp
Classification: Pathogenic for Mucolipidosis type IV. Last evaluated: 2022-10-28. Review status: criteria provided, single submitter. Criteria: Invitae Variant Classification Sherloc (09022015). Collection method: clinical testing. Allele origin: germline.
Comment: For these reasons, this variant has been classified as Pathogenic. ClinVar contains an entry for this variant (Variation ID: 1072635). This variant has not been reported in the literature in individuals affected with MCOLN1-related conditions. This variant is present in population databases (rs765577483, gnomAD 0.0009%). This sequence change creates a premature translational stop signal (p.Arg57*) in the MCOLN1 gene. It is expected to result in an absent or disrupted protein product. Loss-of-function variants in MCOLN1 are known to be pathogenic (PMID: 11030752, 11317355).

Literature cited by the submitters: PubMed 11030752 (cited by Labcorp Genetics (formerly Invitae), Labcorp); PubMed 11317355 (cited by Labcorp Genetics (formerly Invitae), Labcorp).